The following is an entry in ClinVar:

NM_182914.3(SYNE2):c.8968G>A (p.Ala2990Thr)

Gene: SYNE2 (spectrin repeat containing nuclear envelope protein 2; plus strand). Cytogenetic location: 14q23.2.
Variant type: single nucleotide variant.
Coding change: c.8968G>A on transcript NM_182914.3 (MANE Select); coding-DNA position 8968, G replaced by A.
Protein change: p.Ala2990Thr; replaces alanine 2990 with threonine.
Molecular consequence: missense variant.
Genome position (GRCh38, 1-based): chr14:64,052,881, G>A. VCF-style: chr14-64052881-G-A. GRCh37 (hg19) VCF-style: chr14-64519599-G-A.
Other names: c.8968G>A, p.Ala2990Thr (NM_015180.6); c.8968G>A (NM_182914.2); short protein forms A2990T.
Identifiers: ClinVar variation 1049011 (VCV001049011.8), dbSNP rs748085293, ClinGen allele CA7221197.
Genomic context (GRCh38, chr14:64,052,881, plus strand): 5'-AATCAAGAAGTAAATAAAGGTGTTAAAGAGGAGATCTATAATCTTAAAGACAGACTCACC[G>A]CTATTAAGTGTTGCATCTTACAGGTATTGAAACTTAAAAAAGTGTTTGACTATATTGGAC-3'
Protein context (NP_878918.2, residues 2980-3000): EIYNLKDRLT[Ala2990Thr]IKCCILQVLK

ClinVar aggregate classification (germline): Uncertain significance. Review status: criteria provided, multiple submitters, no conflicts (2 of 4 stars). 3 submissions from 3 submitters: Uncertain significance (2). 1 of the submissions does not count toward it. Last evaluated 2025-04-09.

Conditions:
Emery-Dreifuss muscular dystrophy 5, autosomal dominant (EDMD5). Also called: EMERY-DREIFUSS MUSCULAR DYSTROPHY 5. Identifiers: Orphanet 261, MedGen C2751805, MONDO:0013072, OMIM 612999.

Allele frequency attached by ClinVar (database versions not stated): gnomAD 0.00003; TOPMed 0.00004; ExAC 0.00007; gnomAD exomes 0.00007.
gnomAD v4.1: 103 of 1,613,638 alleles (0.0064%); highest among the groups gnomAD compares: Admixed American, 0.018%; no homozygotes.

Submissions (3):

Ambry Genetics
Classification: Uncertain significance. Last evaluated: 2025-04-09. Review status: criteria provided, single submitter. Criteria: Ambry Variant Classification Scheme 2023. Collection method: clinical testing. Allele origin: germline.

Labcorp Genetics (formerly Invitae), Labcorp
Classification: Uncertain significance for Emery-Dreifuss muscular dystrophy 5, autosomal dominant. Last evaluated: 2025-03-13. Review status: criteria provided, single submitter. Criteria: Invitae Variant Classification Sherloc (09022015). Collection method: clinical testing. Allele origin: germline.
Comment: This sequence change replaces alanine, which is neutral and non-polar, with threonine, which is neutral and polar, at codon 2990 of the SYNE2 protein (p.Ala2990Thr). This variant is present in population databases (rs748085293, gnomAD 0.03%), and has an allele count higher than expected for a pathogenic variant. This variant has not been reported in the literature in individuals affected with SYNE2-related conditions. ClinVar contains an entry for this variant (Variation ID: 1049011). An algorithm developed to predict the effect of missense changes on protein structure and function (PolyPhen-2) suggests that this variant is likely to be tolerated. In summary, the available evidence is currently insufficient to determine the role of this variant in disease. Therefore, it has been classified as a Variant of Uncertain Significance.

Department of Pathology and Laboratory Medicine, Sinai Health System
Classification: Likely benign. Review status: no assertion criteria provided. Collection method: clinical testing. Allele origin: unknown. Affected: yes. Study: The Canadian Open Genetics Repository (COGR). Not counted in ClinVar's aggregate classification.
Comment: The SYNE2 p.Ala2990Thr variant was not identified in the literature nor was it identified in ClinVar. The variant was identified in dbSNP (ID: rs748085293), Cosmic (FATHMM prediction: neutral; score=0.12) and LOVD 3.0 (classified as likely benign). The variant was identified in control databases in 19 of 280152 chromosomes at a frequency of 0.000068 (Genome Aggregation Database Feb 27, 2017). The variant was observed in the following populations: Latino in 11 of 35230 chromosomes (freq: 0.000312), East Asian in 1 of 19526 chromosomes (freq: 0.000051), European (non-Finnish) in 6 of 128366 chromosomes (freq: 0.000047) and African in 1 of 24170 chromosomes (freq: 0.000041), but not in the Ashkenazi Jewish, European (Finnish), Other, and South Asian populations. The p.Ala2990 residue is not conserved in mammals and four out of five computational analyses (PolyPhen-2, SIFT, AlignGVGD, BLOSUM, MutationTaster) do not suggest a high likelihood of impact to the protein; however, this information is not predictive enough to rule out pathogenicity. The variant occurs outside of the splicing consensus sequence and in silico or computational prediction software programs (SpliceSiteFinder, MaxEntScan, NNSPLICE, GeneSplicer) do not predict a difference in splicing. In summary, based on the above information the clinical significance of this variant cannot be determined with certainty at this time although we would lean towards a more benign role for this variant. This variant is classified as likely benign.